The following is an entry in ClinVar:

NM_001148.6(ANK2):c.11485C>A (p.Pro3829Thr)

Gene: ANK2 (ankyrin 2; plus strand). Cytogenetic location: 4q26.
Variant type: single nucleotide variant.
Coding change: c.11485C>A on transcript NM_001148.6 (MANE Select); coding-DNA position 11485, C replaced by A.
Protein change: p.Pro3829Thr; replaces proline 3829 with threonine.
Molecular consequence: missense variant.
Genome position (GRCh38, 1-based): chr4:113,369,680, C>A. VCF-style: chr4-113369680-C-A. GRCh37 (hg19) VCF-style: chr4-114290836-C-A.
Other names: c.5203C>A, p.Pro1735Thr (NM_001127493.3); c.5242C>A, p.Pro1748Thr (NM_001354225.2); c.5131C>A, p.Pro1711Thr (NM_001354228.2, NM_001354258.2); c.5209C>A, p.Pro1737Thr (NM_001354230.2); c.5272C>A, p.Pro1758Thr (NM_001354231.2, NM_001354242.2); c.5266C>A, p.Pro1756Thr (NM_001354232.2); c.5227C>A, p.Pro1743Thr (NM_001354235.2, NM_001354246.2, NM_001354265.2); c.5128C>A, p.Pro1710Thr (NM_001354236.2); and 35 more; short protein forms P1649T, P1671T, P1678T, P1682T, P1689T, P1722T, P1735T, P1737T.
Identifiers: ClinVar variation 3294799 (VCV003294799.1).

ClinVar aggregate classification (germline): Uncertain significance (1 of 4 stars; one submission).

Conditions:
Cardiovascular phenotype. Identifiers: MedGen CN230736.

gnomAD v4.1: 2 of 1,614,152 alleles (0.00012%); highest among the groups gnomAD compares: Admixed American, 0.0033%; no homozygotes.

Submission:

Ambry Genetics
Classification: Uncertain significance for Cardiovascular phenotype. Last evaluated: 2024-04-01. Review status: criteria provided, single submitter. Criteria: Ambry Variant Classification Scheme 2023. Collection method: clinical testing. Allele origin: germline.
Comment: The p.P3829T variant (also known as c.11485C>A), located in coding exon 43 of the ANK2 gene, results from a C to A substitution at nucleotide position 11485. The proline at codon 3829 is replaced by threonine, an amino acid with highly similar properties. This amino acid position is conserved. In addition, this alteration is predicted to be deleterious by in silico analysis. Based on the available evidence, the clinical significance of this alteration remains unclear.